The following is an entry in ClinVar:

ClinVar aggregate classification (germline): Uncertain significance (1 of 4 stars; one submission).

Submission:

Women's Health and Genetics/Laboratory Corporation of America, LabCorp
Classification: Uncertain significance. Last evaluated: 2024-05-28. Review status: criteria provided, single submitter. Criteria: LabCorp Variant Classification Summary - May 2015. Collection method: clinical testing. Allele origin: germline.
Comment: Variant summary: ACADS c.472+4C>A alters a nucleotide located close to a canonical splice site and therefore could affect mRNA splicing, leading to a significantly altered protein sequence. Consensus agreement among computation tools predict no significant impact on normal splicing. However, these predictions have yet to be confirmed by functional studies. The variant allele was found at a frequency of 4e-06 in 250764 control chromosomes. The available data on variant occurrences in the general population are insufficient to allow any conclusion about variant significance. To our knowledge, no occurrence of c.472+4C>A in individuals affected with Deficiency Of Butyryl-CoA Dehydrogenase and no experimental evidence demonstrating its impact on protein function have been reported. No submitters have cited clinical-significance assessments for this variant to ClinVar. Based on the evidence outlined above, the variant was classified as uncertain significance.

NM_000017.4(ACADS):c.472+4C>A

Gene: ACADS (acyl-CoA dehydrogenase short chain; plus strand). Cytogenetic location: 12q24.31.
Variant type: single nucleotide variant.
Coding change: c.472+4C>A on transcript NM_000017.4 (MANE Select); 4 bases into the intron after coding-DNA position 472, C replaced by A.
Molecular consequence: intron variant.
Genome position (GRCh38, 1-based): chr12:120,737,471, C>A. VCF-style: chr12-120737471-C-A. GRCh37 (hg19) VCF-style: chr12-121175274-C-A.
Other names: c.472+4C>A (NM_001302554.2).
Identifiers: ClinVar variation 3336336 (VCV003336336.1).
Genomic context (GRCh38, chr12:120,737,471, plus strand): 5'-GGGTCACGCCTTTCACCAGTGGTGACAAAATTGGCTGCTTTGCCCTCAGCGAACCAGGTA[C>A]CTGCCCTGTCCCCTCACCTGTCCTTAGGGTGACAGGCCCAGAGGGGAGGAGAGGAAGGTG-3'